The following is an entry in ClinVar:

NM_005428.4(VAV1):c.944C>T (p.Ala315Val)

Gene: VAV1 (vav guanine nucleotide exchange factor 1; plus strand). Cytogenetic location: 19p13.3.
Variant type: single nucleotide variant.
Coding change: c.944C>T on transcript NM_005428.4 (MANE Select); coding-DNA position 944, C replaced by T.
Protein change: p.Ala315Val; replaces alanine 315 with valine.
Molecular consequence: missense variant.
Genome position (GRCh38, 1-based): chr19:6,828,092, C>T. VCF-style: chr19-6828092-C-T. GRCh37 (hg19) VCF-style: chr19-6828103-C-T.
Other names: c.944C>T, p.Ala315Val (NM_001258206.2); c.848C>T, p.Ala283Val (NM_001258207.2); short protein forms A283V, A315V.
Identifiers: ClinVar variation 4722450 (VCV004722450.1).

ClinVar aggregate classification (germline): Uncertain significance (1 of 4 stars; one submission).

Submission:

Labcorp Genetics (formerly Invitae), Labcorp
Classification: Uncertain significance. Last evaluated: 2025-07-01. Review status: criteria provided, single submitter. Criteria: Invitae Variant Classification Sherloc (09022015). Collection method: clinical testing. Allele origin: germline.
Comment: This sequence change replaces alanine, which is neutral and non-polar, with valine, which is neutral and non-polar, at codon 315 of the VAV1 protein (p.Ala315Val). This variant is not present in population databases (gnomAD no frequency). This variant has not been reported in the literature in individuals affected with VAV1-related conditions. An algorithm developed to predict the effect of missense changes on protein structure and function (PolyPhen-2) suggests that this variant is likely to be disruptive. In summary, the available evidence is currently insufficient to determine the role of this variant in disease. Therefore, it has been classified as a Variant of Uncertain Significance.